The following is an entry in ClinVar:

NM_001369.3(DNAH5):c.6061+1G>C

Gene: DNAH5 (dynein axonemal heavy chain 5; minus strand). Cytogenetic location: 5p15.2.
Variant type: single nucleotide variant.
Coding change: c.6061+1G>C on transcript NM_001369.3 (MANE Select); the canonical splice donor site of the intron after coding-DNA position 6061, G replaced by C.
Molecular consequence: splice donor variant.
Genome position (GRCh38, 1-based): chr5:13,830,596, C>G on the plus strand (G>C on the coding strand, the complement: DNAH5 is on the minus strand). VCF-style: chr5-13830596-C-G. GRCh37 (hg19) VCF-style: chr5-13830705-C-G.
Identifiers: ClinVar variation 4732812 (VCV004732812.1).

ClinVar aggregate classification (germline): Pathogenic (1 of 4 stars; one submission).

Conditions:
Primary ciliary dyskinesia. Also called: Ciliary dyskinesia. Identifiers: Orphanet 244, MedGen C0008780, MONDO:0016575, HP:0012265.

Submission:

Labcorp Genetics (formerly Invitae), Labcorp
Classification: Pathogenic for Primary ciliary dyskinesia. Last evaluated: 2025-12-09. Review status: criteria provided, single submitter. Criteria: Invitae Variant Classification Sherloc (09022015). Collection method: clinical testing. Allele origin: germline.
Comment: This sequence change affects a donor splice site in intron 36 of the DNAH5 gene. It is expected to disrupt RNA splicing. Variants that disrupt the donor or acceptor splice site typically lead to a loss of protein function (PMID: 16199547), and loss-of-function variants in DNAH5 are known to be pathogenic (PMID: 11788826, 16627867). This variant is not present in population databases (gnomAD no frequency). Disruption of this splice site has been observed in individual(s) with primary ciliary dyskinesia (PMID: 33577779). Algorithms developed to predict the effect of sequence changes on RNA splicing suggest that this variant may disrupt the consensus splice site. For these reasons, this variant has been classified as Pathogenic.

Literature cited by the submitters: PubMed 16199547; PubMed 11788826; PubMed 16627867; PubMed 33577779.